The following is an entry in ClinVar:

NM_001267550.2(TTN):c.97436G>A (p.Arg32479His)

Genes: TTN (titin; minus strand), TTN-AS1 (TTN antisense RNA 1; plus strand). Cytogenetic location: 2q31.2.
Variant type: single nucleotide variant.
Coding change: c.97436G>A on transcript NM_001267550.2 (MANE Select); coding-DNA position 97436, G replaced by A.
Protein change: p.Arg32479His; replaces arginine 32479 with histidine.
Molecular consequence: missense variant. On other transcripts: non-coding transcript variant (1).
Genome position (GRCh38, 1-based): chr2:178,542,320, C>T on the plus strand (G>A on the coding strand, the complement: TTN is on the minus strand). VCF-style: chr2-178542320-C-T. GRCh37 (hg19) VCF-style: chr2-179407047-C-T.
Other names: p.R29911H:CGC>CAC; c.92513G>A, p.Arg30838His (NM_001256850.1); c.70241G>A, p.Arg23414His (NM_003319.4); c.89732G>A, p.Arg29911His (NM_133378.4); c.70616G>A, p.Arg23539His (NM_133432.3); c.70817G>A, p.Arg23606His (NM_133437.4); short protein forms R29911H, R32479H, R23414H, R30838H, R23606H, R23539H.
Identifiers: ClinVar variation 202337 (VCV000202337.9), dbSNP rs369845358, ClinGen allele CA309129.

ClinVar aggregate classification (germline): Conflicting classifications of pathogenicity. Review status: criteria provided, conflicting classifications (1 of 4 stars). 4 submissions from 4 submitters: Uncertain significance (1); Likely benign (3). Last evaluated 2026-03-27.

Conditions:
Cardiovascular phenotype. Identifiers: MedGen CN230736.

Allele frequency attached by ClinVar (database versions not stated): ExAC 0.00007; ESP Exome Variant Server 0.00008; 1000 Genomes Project 30x 0.00016; gnomAD exomes 0.00002 and 0.00004; gnomAD 0.00013 and 0.00014; TOPMed 0.00012; 1000 Genomes Project 0.00020.
gnomAD v4.1: 57 of 1,612,860 alleles (0.0035%); highest among the groups gnomAD compares: African/African-American, 0.037%; no homozygotes.

Submissions (4):

Molecular Diagnostic Laboratory for Inherited Cardiovascular Disease, Montreal Heart Institute
Classification: Likely benign. Last evaluated: 2026-03-27. Review status: criteria provided, single submitter. Criteria: ACMG Guidelines, 2015. Collection method: clinical testing. Allele origin: germline. Affected: no.

Women's Health and Genetics/Laboratory Corporation of America, LabCorp
Classification: Uncertain significance. Last evaluated: 2021-03-01. Review status: criteria provided, single submitter. Criteria: LabCorp Variant Classification Summary - May 2015. Collection method: clinical testing. Allele origin: germline.
Comment: Variant summary: TTN c.89732G>A (p.Arg29911His) results in a non-conservative amino acid change located in the A-band of the encoded protein sequence. Four of five in-silico tools predict a damaging effect of the variant on protein function. The variant allele was found at a frequency of 3.6e-05 in 246924 control chromosomes. The available data on variant occurrences in the general population are insufficient to allow any conclusion about variant significance. To our knowledge, no occurrence of c.89732G>A in individuals affected with Dilated Cardiomyopathy and no experimental evidence demonstrating its impact on protein function have been reported. Two clinical diagnostic laboratories have submitted clinical-significance assessments for this variant to ClinVar after 2014 without evidence for independent evaluation. One laboratory classified the variant as likely benign, and one laboratory classified the variant as uncertain significance. Based on the evidence outlined above, the variant was classified as uncertain significance.

Ambry Genetics
Classification: Likely benign for Cardiovascular phenotype. Last evaluated: 2019-10-08. Review status: criteria provided, single submitter. Criteria: Ambry Variant Classification Scheme 2023. Collection method: clinical testing. Allele origin: germline.

GeneDx
Classification: Likely benign. Last evaluated: 2018-12-10. Review status: criteria provided, single submitter. Criteria: GeneDx Variant Classification Process June 2021. Collection method: clinical testing. Allele origin: germline. Affected: yes.